The following is an entry in ClinVar:

ClinVar aggregate classification (germline): Likely benign. Review status: criteria provided, single submitter (1 of 4 stars). 2 submissions from 2 submitters: Likely benign (1). 1 of the submissions does not count toward it. Last evaluated 2022-03-18.

Conditions:
TUB-related disorder. Also called: TUB-related condition.

Submissions (2):

Labcorp Genetics (formerly Invitae), Labcorp
Classification: Likely benign. Last evaluated: 2022-03-18. Review status: criteria provided, single submitter. Criteria: Invitae Variant Classification Sherloc (09022015). Collection method: clinical testing. Allele origin: germline.

PreventionGenetics, part of Exact Sciences
Classification: Likely benign for TUB-related condition. Last evaluated: 2024-05-22. Review status: no assertion criteria provided. Collection method: clinical testing. Allele origin: germline. Not counted in ClinVar's aggregate classification.
Comment: This variant is classified as likely benign based on ACMG/AMP sequence variant interpretation guidelines (Richards et al. 2015 PMID: 25741868, with internal and published modifications).

NM_177972.3(TUB):c.687+10_687+11del

Genes: RIC3 (RIC3 acetylcholine receptor chaperone; minus strand), TUB (TUB bipartite transcription factor; plus strand). Cytogenetic location: 11p15.4.
Variant type: Deletion.
Coding change: c.687+10_687+11del on transcript NM_177972.3 (MANE Select); bases 10 to 11 of the intron after coding-DNA position 687, 2 bases deleted (TG; older notation c.687+10_687+11delTG).
Molecular consequence: intron variant.
Genome position (GRCh38, 1-based): chr11:8,096,816-8,096,817, TG deleted; deleting any 2 consecutive bases within chr11:8,096,815-8,096,817 gives the same sequence; the c. name uses the placement nearest the transcript's 3' end. VCF-style (leftmost placement, unchanged base first): chr11-8096814-AGT-A. GRCh37 (hg19) VCF-style: chr11-8118361-AGT-A.
Other names: c.852+10_852+11del (NM_003320.5); c.852+10_852+11delTG (NM_003320.4).
Identifiers: ClinVar variation 2113635 (VCV002113635.5), dbSNP rs1944014196, ClinGen allele CA934890755.